The following is an entry in ClinVar:

NM_005198.5(CHKB):c.106C>T (p.Arg36Trp)

Genes: CHKB (choline kinase beta; minus strand), CHKB-CPT1B (CHKB-CPT1B readthrough (NMD candidate); minus strand). Cytogenetic location: 22q13.33.
Variant type: single nucleotide variant.
Coding change: c.106C>T on transcript NM_005198.5 (MANE Select); coding-DNA position 106, C replaced by T.
Protein change: p.Arg36Trp; replaces arginine 36 with tryptophan.
Molecular consequence: missense variant. On other transcripts: non-coding transcript variant (1).
Genome position (GRCh38, 1-based): chr22:50,582,676, G>A on the plus strand (C>T on the coding strand, the complement: CHKB is on the minus strand). VCF-style: chr22-50582676-G-A. GRCh37 (hg19) VCF-style: chr22-51021105-G-A.
Other names: short protein forms R36W.
Identifiers: ClinVar variation 1014380 (VCV001014380.10), dbSNP rs2070724928, ClinGen allele CA412203623.

ClinVar aggregate classification (germline): Uncertain significance (1 of 4 stars; one submission).

Conditions:
Megaconial type congenital muscular dystrophy (MDCMC). Also called: MUSCULAR DYSTROPHY, CONGENITAL, WITH MITOCHONDRIAL STRUCTURAL ABNORMALITIES; CHKB-Related Muscle Diseases; CHKB-Related Muscular Dystrophy. Identifiers: Orphanet 280671, MedGen C1865233, MONDO:0011246, OMIM 602541.

Submission:

Labcorp Genetics (formerly Invitae), Labcorp
Classification: Uncertain significance for Megaconial type congenital muscular dystrophy. Last evaluated: 2023-05-15. Review status: criteria provided, single submitter. Criteria: Invitae Variant Classification Sherloc (09022015). Collection method: clinical testing. Allele origin: germline.
Comment: An algorithm developed to predict the effect of missense changes on protein structure and function (PolyPhen-2) suggests that this variant is likely to be disruptive. In summary, the available evidence is currently insufficient to determine the role of this variant in disease. Therefore, it has been classified as a Variant of Uncertain Significance. ClinVar contains an entry for this variant (Variation ID: 1014380). This sequence change replaces arginine, which is basic and polar, with tryptophan, which is neutral and slightly polar, at codon 36 of the CHKB protein (p.Arg36Trp). This variant is not present in population databases (gnomAD no frequency). This variant has not been reported in the literature in individuals affected with CHKB-related conditions.